The following is an entry in ClinVar:

ClinVar aggregate classification (germline): Likely benign. Review status: criteria provided, multiple submitters, no conflicts (2 of 4 stars). 3 submissions from 3 submitters: Likely benign (3). Last evaluated 2023-06-03.

Conditions:
Inborn genetic diseases. Identifiers: MedGen C0950123, MeSH D030342.
Charcot-Marie-Tooth disease axonal type 2P. Also called: Charcot-Marie-Tooth Neuropathy Type 2G; CHARCOT-MARIE-TOOTH DISEASE, AXONAL, TYPE 2G; CMT 2G; CHARCOT-MARIE-TOOTH NEUROPATHY, TYPE 2P. Identifiers: Orphanet 300319, Orphanet 99941, MedGen C3280797, MONDO:0013753, OMIM 614436.

Allele frequency attached by ClinVar (database versions not stated): gnomAD exomes below 0.00001 and 0.00001; TOPMed below 0.00001.
gnomAD v4.1: 7 of 1,614,210 alleles (0.00043%); highest among the groups gnomAD compares: Non-Finnish European, 0.00051%; no homozygotes.

Submissions (3):

Labcorp Genetics (formerly Invitae), Labcorp
Classification: Likely benign for Charcot-Marie-Tooth disease axonal type 2P. Last evaluated: 2023-06-03. Review status: criteria provided, single submitter. Criteria: Invitae Variant Classification Sherloc (09022015). Collection method: clinical testing. Allele origin: germline.

Ambry Genetics
Classification: Likely benign for Inborn genetic diseases. Last evaluated: 2019-07-11. Review status: criteria provided, single submitter. Criteria: Ambry Variant Classification Scheme 2023. Collection method: clinical testing. Allele origin: germline.

GeneDx
Classification: Likely benign. Last evaluated: 2016-09-08. Review status: criteria provided, single submitter. Criteria: GeneDx Variant Classification (06012015). Collection method: clinical testing. Allele origin: germline. Affected: yes.
Comment: This variant is considered likely benign or benign based on one or more of the following criteria: it is a conservative change, it occurs at a poorly conserved position in the protein, it is predicted to be benign by multiple in silico algorithms, and/or has population frequency not consistent with disease.

NM_001005373.4(LRSAM1):c.1011C>T (p.Ser337=)

Gene: LRSAM1 (leucine rich repeat and sterile alpha motif containing 1; plus strand). Cytogenetic location: 9q33.3.
Variant type: single nucleotide variant.
Coding change: c.1011C>T on transcript NM_001005373.4 (MANE Select); coding-DNA position 1011, C replaced by T.
Protein change: p.Ser337=; no amino-acid change (serine 337 retained).
Molecular consequence: synonymous variant. On other transcripts: non-coding transcript variant (2).
Genome position (GRCh38, 1-based): chr9:127,479,946, C>T. VCF-style: chr9-127479946-C-T. GRCh37 (hg19) VCF-style: chr9-130242225-C-T.
Other names: c.1011C>T (NM_138361.4); c.1011C>T, p.Ser337= (NM_001005374.4, NM_001190723.3, NM_001384142.1 and 2 more transcripts); c.222C>T, p.Ser74= (NM_001384144.1).
Identifiers: ClinVar variation 365023 (VCV000365023.14), dbSNP rs886063456, ClinGen allele CA10626446.